The following is an entry in ClinVar:

ClinVar aggregate classification (germline): Uncertain significance (1 of 4 stars; one submission).

Conditions:
Harel-Yoon syndrome (HAYOS). Also called: Optic atrophy-peripheral neuropathy-developmental delay syndrome. Identifiers: Orphanet 496790, MedGen C4310677, MONDO:0014958, OMIM 617183.

Submission:

Illumina Laboratory Services, Illumina
Classification: Uncertain significance for Harel-Yoon syndrome. Last evaluated: 2021-12-13. Review status: criteria provided, single submitter. Criteria: ICSLVariantClassificationCriteria RUGD 01 April 2020. Collection method: clinical testing. Allele origin: unknown.
Comment: The ATAD3A c.1591C>G (p.Arg531Gly) missense variant results in the substitution of arginine at amino acid position 531 with glycine. To our knowledge, this variant has not been reported in the peer-reviewed literature. This variant is not found in version 2.1.1 or version 3.1.2 of the Genome Aggregation Database. Based on the available evidence, the c.1591C>G (p.Arg531Gly) variant is classified as a variant of uncertain significance for Harel-Yoon syndrome.

NM_001170535.3(ATAD3A):c.1447C>G (p.Arg483Gly)

Gene: ATAD3A (ATPase family AAA domain containing 3A; plus strand). Cytogenetic location: 1p36.33.
Variant type: single nucleotide variant.
Coding change: c.1447C>G on transcript NM_001170535.3 (MANE Select); coding-DNA position 1447, C replaced by G.
Protein change: p.Arg483Gly; replaces arginine 483 with glycine.
Molecular consequence: missense variant.
Genome position (GRCh38, 1-based): chr1:1,527,804, C>G. VCF-style: chr1-1527804-C-G. GRCh37 (hg19) VCF-style: chr1-1463184-C-G.
Other names: c.1210C>G, p.Arg404Gly (NM_001170536.3); c.1591C>G, p.Arg531Gly (NM_018188.5); short protein forms R404G, R483G, R531G.
Identifiers: ClinVar variation 1693279 (VCV001693279.3), dbSNP rs145811436, ClinGen allele CA337861138.